The following is an entry in ClinVar:

ClinVar aggregate classification (germline): Uncertain significance (1 of 4 stars; one submission).

Conditions:
Niemann-Pick disease, type C2 (NPC2). Identifiers: Orphanet 646, MedGen C1843366, MONDO:0011873, OMIM 607625.

Allele frequency attached by ClinVar (database versions not stated): gnomAD exomes below 0.00001.
gnomAD v4.1: 1 of 1,614,032 alleles (0.000062%); highest among the groups gnomAD compares: Non-Finnish European, 0.000085%; no homozygotes.

Submission:

Labcorp Genetics (formerly Invitae), Labcorp
Classification: Uncertain significance for Niemann-Pick disease, type C2. Last evaluated: 2022-05-12. Review status: criteria provided, single submitter. Criteria: Invitae Variant Classification Sherloc (09022015). Collection method: clinical testing. Allele origin: germline.
Comment: In summary, the available evidence is currently insufficient to determine the role of this variant in disease. Therefore, it has been classified as a Variant of Uncertain Significance. Algorithms developed to predict the effect of missense changes on protein structure and function are either unavailable or do not agree on the potential impact of this missense change (SIFT: "Tolerated"; PolyPhen-2: "Possibly Damaging"; Align-GVGD: "Class C0"). This variant has not been reported in the literature in individuals affected with NPC2-related conditions. This variant is not present in population databases (gnomAD no frequency). This sequence change replaces isoleucine, which is neutral and non-polar, with methionine, which is neutral and non-polar, at codon 101 of the NPC2 protein (p.Ile101Met).

NM_006432.5(NPC2):c.303C>G (p.Ile101Met)

Gene: NPC2 (NPC intracellular cholesterol transporter 2; minus strand). Cytogenetic location: 14q24.3.
Variant type: single nucleotide variant.
Coding change: c.303C>G on transcript NM_006432.5 (MANE Select); coding-DNA position 303, C replaced by G.
Protein change: p.Ile101Met; replaces isoleucine 101 with methionine.
Molecular consequence: missense variant.
Genome position (GRCh38, 1-based): chr14:74,484,475, G>C on the plus strand (C>G on the coding strand, the complement: NPC2 is on the minus strand). VCF-style: chr14-74484475-G-C. GRCh37 (hg19) VCF-style: chr14-74951178-G-C.
Other names: c.303C>G, p.Ile101Met (NM_001363688.1, NM_001375440.1); short protein forms I101M.
Identifiers: ClinVar variation 2151095 (VCV002151095.4), dbSNP rs2506104439, ClinGen allele CA390532371.
Genomic context (GRCh38, chr14:74,484,475, plus strand): 5'-AGAGGGATATTCGCTTTTCACTGGTAGTTTATTCAGGTAGCTATAGGTCTTGTCTTTTTG[G>C]ATAGGGCAGTTAATTCCACTCTTACAACCATCAGGCTCAGGAATGGGAAAGGGAACTGGG-3'
Protein context (NP_006423.1, residues 91-111): DGCKSGINCP[Ile101Met]QKDKTYSYLN